The following is an entry in ClinVar:

NM_014284.3(NCDN):c.2034dup (p.Val679fs)

Gene: NCDN (neurochondrin; plus strand). Cytogenetic location: 1p34.3.
Variant type: Duplication.
Coding change: c.2034dup on transcript NM_014284.3 (MANE Select); coding-DNA position 2034, one base duplicated (T; older notation c.2034dupT).
Protein change: p.Val679fs; shifts the reading frame from valine 679.
Molecular consequence: frameshift variant.
Genome position (GRCh38, 1-based): chr1:35,565,507, T duplicated. VCF-style (leftmost placement, unchanged base first): chr1-35565506-C-CT. GRCh37 (hg19) VCF-style: chr1-36031107-C-CT.
Other names: c.2034dup, p.Val679fs (NM_001014839.2); c.1983dup, p.Val662fs (NM_001014841.2); short protein forms V662fs, V679fs.
Identifiers: ClinVar variation 4874646 (VCV004874646.2).
Genomic context (GRCh38, chr1:35,565,506, plus strand): 5'-CCCTGCGCTCCCGCTGGCCGCAGGAGCTGCTCCAGCTGCTAGGCAGTGTCAGCCCCAACT[C>CT]TGTCAAGCCCGAGATGGTGGCCGCCTATCAGGGTGTCCTGGTGGAGCTGGCGCGGGCCAA-3'

ClinVar aggregate classification (germline): Uncertain significance (1 of 4 stars; one submission).

Submission:

CeGaT Center for Human Genetics Tuebingen
Classification: Uncertain significance. Last evaluated: 2026-04-01. Review status: criteria provided, single submitter. Criteria: CeGaT Center For Human Genetics Tuebingen Variant Classification Criteria Version 2. Collection method: clinical testing. Allele origin: germline. Affected: yes. Observed: 1 variant allele.
Comment: NCDN: PM2